The following is an entry in ClinVar:

NM_000071.3(CBS):c.829-13G>A

Gene: CBS (cystathionine beta-synthase; minus strand). Cytogenetic location: 21q22.3.
Variant type: single nucleotide variant.
Coding change: c.829-13G>A on transcript NM_000071.3 (MANE Select); 13 bases into the intron before coding-DNA position 829, G replaced by A.
Molecular consequence: intron variant.
Genome position (GRCh38, 1-based): chr21:43,063,091, C>T on the plus strand (G>A on the coding strand, the complement: CBS is on the minus strand). VCF-style: chr21-43063091-C-T. GRCh37 (hg19) VCF-style: chr21-44483201-C-T.
Other names: c.829-13G>A (NM_001320298.2, NM_001178009.3, NM_001178008.3); c.514-13G>A (NM_001321072.1).
Identifiers: ClinVar variation 136670 (VCV000136670.26), dbSNP rs201106576, ClinGen allele CA289976.

ClinVar aggregate classification (germline): Conflicting classifications of pathogenicity. Review status: criteria provided, conflicting classifications (1 of 4 stars). 7 submissions from 7 submitters: Uncertain significance (1); Benign (1); Likely benign (4). 1 of the submissions does not count toward it. Last evaluated 2026-02-03.

Conditions:
CBS-related disorder. Also called: CBS-related condition.
HYPERHOMOCYSTEINEMIA, THROMBOTIC, CBS-RELATED. Identifiers: MedGen C3150344, OMIM 236200.
Classic homocystinuria. Also called: HOMOCYSTINURIA WITH OR WITHOUT RESPONSE TO PYRIDOXINE; Homocystinuria due to Cystathionine Beta-Synthase Deficiency; Homocystinuria due to CBS deficiency; Cystathionine beta-synthase deficiency; CBS deficiency. Identifiers: Orphanet 394, MedGen C0751202, MONDO:0009352, OMIM 236200.

Allele frequency attached by ClinVar (database versions not stated): 1000 Genomes Project 0.00020; gnomAD exomes 0.00049; ESP Exome Variant Server 0.00062; gnomAD 0.00067.

Submissions (7):

Labcorp Genetics (formerly Invitae), Labcorp
Classification: Likely benign for HYPERHOMOCYSTEINEMIA, THROMBOTIC, CBS-RELATED. Last evaluated: 2026-02-03. Review status: criteria provided, single submitter. Criteria: Invitae Variant Classification Sherloc (09022015). Collection method: clinical testing. Allele origin: germline.

ARUP Laboratories, Molecular Genetics and Genomics, ARUP Laboratories
Classification: Likely benign. Last evaluated: 2025-05-27. Review status: criteria provided, single submitter. Criteria: ARUP Molecular Germline Variant Investigation Process 2024. Collection method: clinical testing. Allele origin: germline.

Blueprint Genetics
Classification: Likely benign. Last evaluated: 2024-06-06. Review status: criteria provided, single submitter. Criteria: ACMG Guidelines, 2015. Collection method: clinical testing. Allele origin: germline.

Women's Health and Genetics/Laboratory Corporation of America, LabCorp
Classification: Likely benign. Last evaluated: 2023-11-20. Review status: criteria provided, single submitter. Criteria: LabCorp Variant Classification Summary - May 2015. Collection method: clinical testing. Allele origin: germline.

Illumina Laboratory Services, Illumina
Classification: Uncertain significance for Classic homocystinuria. Last evaluated: 2018-01-13. Review status: criteria provided, single submitter. Criteria: ICSL Variant Classification Criteria 13 December 2019. Collection method: clinical testing. Allele origin: germline.

GeneDx
Classification: Benign. Last evaluated: 2013-10-29. Review status: criteria provided, single submitter. Criteria: GeneDx Variant Classification (06012015). Collection method: clinical testing. Allele origin: germline. Affected: yes.
Comment: This variant is considered likely benign or benign based on one or more of the following criteria: it is a conservative change, it occurs at a poorly conserved position in the protein, it is predicted to be benign by multiple in silico algorithms, and/or has population frequency not consistent with disease.

PreventionGenetics, part of Exact Sciences
Classification: Likely benign for CBS-related condition. Last evaluated: 2022-03-18. Review status: no assertion criteria provided. Collection method: clinical testing. Allele origin: germline. Not counted in ClinVar's aggregate classification.
Comment: This variant is classified as likely benign based on ACMG/AMP sequence variant interpretation guidelines (Richards et al. 2015 PMID: 25741868, with internal and published modifications).